The following is an entry in ClinVar:

ClinVar aggregate classification (germline): Uncertain significance (1 of 4 stars; one submission).

Conditions:
Ataxia-telangiectasia syndrome (AT). Also called: Ataxia telangiectasia (A-T); Ataxia-telangiectasia, complementation group D; AT, COMPLEMENTATION GROUP C; ATAXIA-TELANGIECTASIA, COMPLEMENTATION GROUP A; Ataxia-telangiectasia, complementation group E; ATAXIA-TELANGIECTASIA, FRESNO VARIANT. Identifiers: Orphanet 100, MedGen C0004135, MONDO:0008840, OMIM 208900.

gnomAD v4.1: 1 of 1,613,960 alleles (0.000062%); highest among the groups gnomAD compares: Non-Finnish European, 0.000085%; no homozygotes.

Submission:

Labcorp Genetics (formerly Invitae), Labcorp
Classification: Uncertain significance for Ataxia-telangiectasia syndrome. Last evaluated: 2018-05-06. Review status: criteria provided, single submitter. Criteria: Invitae Variant Classification Sherloc (09022015). Collection method: clinical testing. Allele origin: germline.
Comment: This sequence change replaces asparagine with lysine at codon 870 of the ATM protein (p.Asn870Lys). The asparagine residue is moderately conserved and there is a moderate physicochemical difference between asparagine and lysine. This variant is not present in population databases (ExAC no frequency). This variant has not been reported in the literature in individuals with ATM-related disease. Algorithms developed to predict the effect of missense changes on protein structure and function (SIFT, PolyPhen-2, Align-GVGD) all suggest that this variant is likely to be tolerated, but these predictions have not been confirmed by published functional studies and their clinical significance is uncertain. In summary, the available evidence is currently insufficient to determine the role of this variant in disease. Therefore, it has been classified as a Variant of Uncertain Significance.

NM_000051.4(ATM):c.2610C>G (p.Asn870Lys)

Gene: ATM (ATM serine/threonine kinase; plus strand). Cytogenetic location: 11q22.3.
Variant type: single nucleotide variant.
Coding change: c.2610C>G on transcript NM_000051.4 (MANE Select); coding-DNA position 2610, C replaced by G.
Protein change: p.Asn870Lys; replaces asparagine 870 with lysine.
Molecular consequence: missense variant.
Genome position (GRCh38, 1-based): chr11:108,267,314, C>G. VCF-style: chr11-108267314-C-G. GRCh37 (hg19) VCF-style: chr11-108138041-C-G.
Other names: c.2610C>G, p.Asn870Lys (NM_001351834.2); short protein forms N870K.
Identifiers: ClinVar variation 567725 (VCV000567725.8), dbSNP rs587780618, ClinGen allele CA382544159.
Genomic context (GRCh38, chr11:108,267,314, plus strand): 5'-GGATCAGTCATCCATGAATCTATTTAACGATTACCCTGATAGTAGTGTTAGTGATGCAAA[C>G]GAACCTGGAGAGAGCCAAAGTACCATAGGTAAATACATATTTACTACTTGGGATTTCTTT-3'
Protein context (NP_000042.3, residues 860-880): DYPDSSVSDA[Asn870Lys]EPGESQSTIG